The following is an entry in ClinVar:

NM_001063.4(TF):c.1648dup (p.Ala550fs)

Gene: TF (transferrin; plus strand). Cytogenetic location: 3q22.1.
Variant type: Duplication.
Coding change: c.1648dup on transcript NM_001063.4 (MANE Select); coding-DNA position 1648, one base duplicated (G; older notation c.1648dupG).
Protein change: p.Ala550fs; shifts the reading frame from alanine 550.
Molecular consequence: frameshift variant.
Genome position (GRCh38, 1-based): chr3:133,770,533, G duplicated; the last of 2 consecutive G bases (chr3:133,770,532-133,770,533); duplicating either gives the same sequence. VCF-style (leftmost placement, unchanged base first): chr3-133770531-T-TG. GRCh37 (hg19) VCF-style: chr3-133489375-T-TG.
Other names: c.1516dup, p.Ala506fs (NM_001354703.2); c.1267dup, p.Ala423fs (NM_001354704.2); short protein forms A423fs, A506fs, A550fs.
Identifiers: ClinVar variation 5014315 (VCV005014315.1).

ClinVar aggregate classification (germline): Pathogenic (1 of 4 stars; one submission).

Conditions:
Atransferrinemia. Also called: Familial hypotransferrinemia. Identifiers: Orphanet 1195, MedGen C0521802, MONDO:0008846, OMIM 209300, HP:0012239.

Submission:

Myriad Genetics, Inc.
Classification: Pathogenic for Atransferrinemia. Last evaluated: 2025-04-08. Review status: criteria provided, single submitter. Criteria: Myriad Autosomal Dominant, Autosomal Recessive and X-Linked Classification Criteria (2023). Collection method: clinical testing. Allele origin: unknown.
Comment: NM_001063.3(TF):c.1648dupG(A550Gfs*18) is expected to be pathogenic in the context of atransferrinemia. This variant is predicted to lead to an abnormal or absent protein product due to the creation of a premature termination codon in TF, a gene where loss-of-function variants are known to be pathogenic. Please note: this variant was assessed in the context of healthy population screening.